The following is an entry in ClinVar:

ClinVar aggregate classification (germline): Uncertain significance (1 of 4 stars; one submission).

Submission:

GeneDx
Classification: Uncertain significance. Last evaluated: 2024-06-01. Review status: criteria provided, single submitter. Criteria: GeneDx Variant Classification Process June 2021. Collection method: clinical testing. Allele origin: germline. Affected: yes.
Comment: Not observed at significant frequency in large population cohorts (gnomAD); In-frame deletion of 6 amino acids in a non-repeat region; In silico analysis supports a deleterious effect on protein structure/function; Has not been previously published as pathogenic or benign to our knowledge

NM_017934.7(PHIP):c.4789_4806del (p.Ala1597_Lys1602del)

Genes: IRAK1BP1 (interleukin 1 receptor associated kinase 1 binding protein 1; plus strand), PHIP (pleckstrin homology domain interacting protein; minus strand). Cytogenetic location: 6q14.1.
Variant type: Deletion.
Coding change: c.4789_4806del on transcript NM_017934.7 (MANE Select); coding-DNA positions 4789 to 4806, 18 bases deleted (GCGTCCACTCTTTCAAAG).
Protein change: p.Ala1597_Lys1602del.
Genome position (GRCh38, 1-based): chr6:78,945,322-78,945,339, CTTTGAAAGAGTGGACGC deleted on the plus strand (GCGTCCACTCTTTCAAAG on the coding strand, the reverse complement: PHIP is on the minus strand); deleting any 18 consecutive bases within chr6:78,945,322-78,945,344 gives the same sequence; the c. name uses the placement nearest the transcript's 3' end. VCF-style (leftmost placement, unchanged base first): chr6-78945321-ACTTTGAAAGAGTGGACGC-A. GRCh37 (hg19) VCF-style: chr6-79655038-ACTTTGAAAGAGTGGACGC-A.
Identifiers: ClinVar variation 3383737 (VCV003383737.1).